The following is an entry in ClinVar:

ClinVar aggregate classification (germline): Uncertain significance (1 of 4 stars; one submission).

Conditions:
Chédiak-Higashi syndrome (CHS). Also called: Chediak-Higashi Syndrome. Identifiers: Orphanet 167, MedGen C0007965, MONDO:0008963, OMIM 214500.

Allele frequency attached by ClinVar (database versions not stated): TOPMed below 0.00001; gnomAD exomes 0.00001; gnomAD 0.00003.

Submission:

Labcorp Genetics (formerly Invitae), Labcorp
Classification: Uncertain significance for Chédiak-Higashi syndrome. Last evaluated: 2024-09-19. Review status: criteria provided, single submitter. Criteria: Invitae Variant Classification Sherloc (09022015). Collection method: clinical testing. Allele origin: germline.
Comment: This sequence change replaces tyrosine, which is neutral and polar, with phenylalanine, which is neutral and non-polar, at codon 3472 of the LYST protein (p.Tyr3472Phe). This variant is not present in population databases (gnomAD no frequency). This variant has not been reported in the literature in individuals affected with LYST-related conditions. ClinVar contains an entry for this variant (Variation ID: 1909543). Invitae Evidence Modeling of protein sequence and biophysical properties (such as structural, functional, and spatial information, amino acid conservation, physicochemical variation, residue mobility, and thermodynamic stability) indicates that this missense variant is not expected to disrupt LYST protein function with a negative predictive value of 80%. In summary, the available evidence is currently insufficient to determine the role of this variant in disease. Therefore, it has been classified as a Variant of Uncertain Significance.

NM_000081.4(LYST):c.10415A>T (p.Tyr3472Phe)

Gene: LYST (lysosomal trafficking regulator; minus strand). Cytogenetic location: 1q42.3.
Variant type: single nucleotide variant.
Coding change: c.10415A>T on transcript NM_000081.4 (MANE Select); coding-DNA position 10415, A replaced by T.
Protein change: p.Tyr3472Phe; replaces tyrosine 3472 with phenylalanine.
Molecular consequence: missense variant.
Genome position (GRCh38, 1-based): chr1:235,697,232, T>A on the plus strand (A>T on the coding strand, the complement: LYST is on the minus strand). VCF-style: chr1-235697232-T-A. GRCh37 (hg19) VCF-style: chr1-235860532-T-A.
Other names: c.10415A>T, p.Tyr3472Phe (NM_001301365.1); short protein forms Y3472F.
Identifiers: ClinVar variation 1909543 (VCV001909543.4), dbSNP rs1160244338, ClinGen allele CA344929335.
Genomic context (GRCh38, chr1:235,697,232, plus strand): 5'-CTTTCTCCGTGGGGCTGGCTGAAGCAGACCACAGGTACTGGAGCACTGGGGGAACCCACG[T>A]ATTCCCCCCATTTCAAGCCTTTTATCCATGACAAAGGACTCTAAAATGAAGAAAAATAAA-3'
Protein context (NP_000072.2, residues 3462-3482): SWIKGLKWGE[Tyr3472Phe]VGSPSAPVPV